The following is an entry in ClinVar:

NM_001369.3(DNAH5):c.4342_4343insCTAAACATTT (p.Glu1448fs)

Genes: DNAH5-AS1 (DNAH5 antisense RNA 1; plus strand), DNAH5 (dynein axonemal heavy chain 5; minus strand). Cytogenetic location: 5p15.2.
Variant type: Insertion.
Coding change: c.4342_4343insCTAAACATTT on transcript NM_001369.3 (MANE Select); coding-DNA positions 4342 to 4343, CTAAACATTT inserted.
Protein change: p.Glu1448fs; shifts the reading frame from glutamic acid 1448.
Molecular consequence: frameshift variant.
Genome position: GRCh38 VCF-style: chr5-13865680-T-TAAATGTTTAG. GRCh37 (hg19) VCF-style: chr5-13865789-T-TAAATGTTTAG.
Other names: short protein forms E1448fs.
Identifiers: ClinVar variation 5011150 (VCV005011150.1).

ClinVar aggregate classification (germline): Pathogenic (1 of 4 stars; one submission).

Conditions:
Primary ciliary dyskinesia 3. Identifiers: Orphanet 244, MedGen C1837618, MONDO:0012085, OMIM 608644.

Submission:

Myriad Genetics, Inc.
Classification: Pathogenic for Primary ciliary dyskinesia 3. Last evaluated: 2024-05-14. Review status: criteria provided, single submitter. Criteria: Myriad Autosomal Dominant, Autosomal Recessive and X-Linked Classification Criteria (2023). Collection method: clinical testing. Allele origin: unknown.
Comment: NM_001369.2(DNAH5):c.4342_4343ins10(E1448Afs*30) is expected to be pathogenic in the context of primary ciliary dyskinesia, DNAH5-related. This variant is predicted to lead to an abnormal or absent protein product due to the creation of a premature termination codon in DNAH5, a gene where loss-of-function variants are known to be pathogenic. Please note: this variant was assessed in the context of healthy population screening.